The following is an entry in ClinVar:

ClinVar aggregate classification (germline): Uncertain significance (1 of 4 stars; one submission).

gnomAD v4.1: 80 of 1,614,026 alleles (0.005%); highest among the groups gnomAD compares: Non-Finnish European, 0.0062%; no homozygotes.

Submission:

Labcorp Genetics (formerly Invitae), Labcorp
Classification: Uncertain significance. Last evaluated: 2024-11-27. Review status: criteria provided, single submitter. Criteria: Invitae Variant Classification Sherloc (09022015). Collection method: clinical testing. Allele origin: germline.
Comment: This sequence change replaces threonine, which is neutral and polar, with alanine, which is neutral and non-polar, at codon 983 of the SPECC1L protein (p.Thr983Ala). This variant is present in population databases (rs143075516, gnomAD 0.004%). This missense change has been observed in individual(s) with autism and/or neurodevelopmental disorders (PMID: 31785789, 35982159, 35982160). Invitae Evidence Modeling of protein sequence and biophysical properties (such as structural, functional, and spatial information, amino acid conservation, physicochemical variation, residue mobility, and thermodynamic stability) indicates that this missense variant is expected to disrupt SPECC1L protein function with a positive predictive value of 80%. In summary, the available evidence is currently insufficient to determine the role of this variant in disease. Therefore, it has been classified as a Variant of Uncertain Significance.

Literature cited by the submitters: PubMed 31785789; PubMed 35982159; PubMed 35982160.

NM_015330.6(SPECC1L):c.2947A>G (p.Thr983Ala)

Genes: SPECC1L (sperm antigen with calponin homology and coiled-coil domains 1 like; plus strand), SPECC1L-ADORA2A (SPECC1L-ADORA2A readthrough (NMD candidate); plus strand). Cytogenetic location: 22q11.23.
Variant type: single nucleotide variant.
Coding change: c.2947A>G on transcript NM_015330.6 (MANE Select); coding-DNA position 2947, A replaced by G.
Protein change: p.Thr983Ala; replaces threonine 983 with alanine.
Molecular consequence: missense variant. On other transcripts: non-coding transcript variant (1).
Genome position (GRCh38, 1-based): chr22:24,365,595, A>G. VCF-style: chr22-24365595-A-G. GRCh37 (hg19) VCF-style: chr22-24761563-A-G.
Other names: c.2947A>G, p.Thr983Ala (NM_001145468.4, NM_001254732.3); c.145A>G, p.Thr49Ala (NM_001254733.2); short protein forms T49A, T983A.
Identifiers: ClinVar variation 3629168 (VCV003629168.2).